The following is an entry in ClinVar:

ClinVar aggregate classification (germline): Uncertain significance. Review status: criteria provided, multiple submitters, no conflicts (2 of 4 stars). 2 submissions from 2 submitters: Uncertain significance (2). Last evaluated 2026-06-26.

Conditions:
CDKL5-related disorder.
Developmental and epileptic encephalopathy, 2 (DEE2). Also called: CDKL5 deficiency disorder; INFANTILE SPASM SYNDROME, X-LINKED 2. Identifiers: Orphanet 1934, Orphanet 3451, Orphanet 505652, MedGen C4750718, MONDO:0010396, OMIM 300672.
Angelman syndrome-like. Identifiers: MedGen CN128785.

Submissions (2):

PreventionGenetics, part of Exact Sciences
Classification: Uncertain significance for CDKL5-related condition. Last evaluated: 2026-06-26. Review status: criteria provided, single submitter. Criteria: ACMG Guidelines, 2015. Collection method: clinical testing. Allele origin: germline.
Comment: The CDKL5 c.1497C>T variant is not predicted to result in an amino acid change (p.=). This variant is predicted to impact splicing based on splicing prediction programs (SpliceAI, Jaganathan et al. 2019. PubMed ID: 30661751). However, the use of computer prediction programs is not equivalent to functional evidence. To our knowledge, this variant has not been reported in the literature or in a large population database (gnomAD), indicating this variant is rare. At this time, the clinical significance of this variant is uncertain due to the absence of conclusive functional and genetic evidence.

Labcorp Genetics (formerly Invitae), Labcorp
Classification: Uncertain significance for Developmental and epileptic encephalopathy, 2; Angelman syndrome-like. Last evaluated: 2025-07-14. Review status: criteria provided, single submitter. Criteria: Invitae Variant Classification Sherloc (09022015). Collection method: clinical testing. Allele origin: germline.
Comment: This sequence change affects codon 499 of the CDKL5 mRNA. It is a 'silent' change, meaning that it does not change the encoded amino acid sequence of the CDKL5 protein. This variant is not present in population databases (gnomAD no frequency). This variant has not been reported in the literature in individuals affected with CDKL5-related conditions. Algorithms developed to predict the effect of sequence changes on RNA splicing suggest that this variant may create or strengthen a splice site. In summary, the available evidence is currently insufficient to determine the role of this variant in disease. Therefore, it has been classified as a Variant of Uncertain Significance.

NM_001323289.2(CDKL5):c.1497C>T (p.Ser499=)

Gene: CDKL5 (cyclin dependent kinase like 5; plus strand). Cytogenetic location: Xp22.13.
Variant type: single nucleotide variant.
Coding change: c.1497C>T on transcript NM_001323289.2 (MANE Select); coding-DNA position 1497, C replaced by T.
Protein change: p.Ser499=; no amino-acid change (serine 499 retained).
Molecular consequence: synonymous variant.
Genome position (GRCh38, 1-based): chrX:18,604,421, C>T. VCF-style: chrX-18604421-C-T. GRCh37 (hg19) VCF-style: chrX-18622541-C-T.
Other names: c.1497C>T, p.Ser499= (NM_001037343.2, NM_003159.3); c.1497C>T (NM_003159.2).
Identifiers: ClinVar variation 4785001 (VCV004785001.2).
Genomic context (GRCh38, chrX:18,604,421, plus strand): 5'-TCCCTCCTACAGGACCAAGGCCAAAAGCCATGGGGCACTGAGTGACTCCAAGTCTGTGAG[C>T]AACCTTTCTGAAGCCAGGGCCCAAATTGCGGAGCCCAGTACCAGTAGGTACTTCCCATCT-3'
Protein context (NP_001310218.1, residues 489-509): HGALSDSKSV[Ser499=]NLSEARAQIA